The following is an entry in ClinVar:

NM_032221.5(CHD6):c.5577G>A (p.Leu1859=)

Gene: CHD6 (chromodomain helicase DNA binding protein 6; minus strand). Cytogenetic location: 20q12.
Variant type: single nucleotide variant.
Coding change: c.5577G>A on transcript NM_032221.5 (MANE Select); coding-DNA position 5577, G replaced by A.
Protein change: p.Leu1859=; no amino-acid change (leucine 1859 retained).
Molecular consequence: synonymous variant.
Genome position (GRCh38, 1-based): chr20:41,421,058, C>T on the plus strand (G>A on the coding strand, the complement: CHD6 is on the minus strand). VCF-style: chr20-41421058-C-T. GRCh37 (hg19) VCF-style: chr20-40049698-C-T.
Identifiers: ClinVar variation 3024920 (VCV003024920.22), dbSNP rs151251513, ClinGen allele CA9862227.

ClinVar aggregate classification (germline): Likely benign (1 of 4 stars; one submission).

Allele frequency attached by ClinVar (database versions not stated): gnomAD 0.00067; TOPMed 0.00091; ESP Exome Variant Server 0.00092; 1000 Genomes Project 0.00160; 1000 Genomes Project 30x 0.00172.
gnomAD v4.1: 1,065 of 1,613,812 alleles (0.066%); highest among the groups gnomAD compares: Middle Eastern, 1.2%; 8 homozygotes.

Submission:

CeGaT Center for Human Genetics Tuebingen
Classification: Likely benign. Last evaluated: 2024-02-01. Review status: criteria provided, single submitter. Criteria: CeGaT Center For Human Genetics Tuebingen Variant Classification Criteria Version 2. Collection method: clinical testing. Allele origin: germline. Affected: yes. Observed: 2 variant alleles.
Comment: CHD6: BP4